The following is an entry in ClinVar:

ClinVar aggregate classification (germline): Uncertain significance (1 of 4 stars; one submission).

Conditions:
Nephronophthisis 18 (NPHP18). Identifiers: Orphanet 655, MedGen C3890591, MONDO:0014374, OMIM 615862.

Submission:

Labcorp Genetics (formerly Invitae), Labcorp
Classification: Uncertain significance for Nephronophthisis 18. Last evaluated: 2023-11-27. Review status: criteria provided, single submitter. Criteria: Invitae Variant Classification Sherloc (09022015). Collection method: clinical testing. Allele origin: germline.
Comment: This sequence change replaces isoleucine, which is neutral and non-polar, with phenylalanine, which is neutral and non-polar, at codon 480 of the CEP83 protein (p.Ile480Phe). Information on the frequency of this variant in the gnomAD database is not available, as this variant may be reported differently in the database. This variant has not been reported in the literature in individuals affected with CEP83-related conditions. ClinVar contains an entry for this variant (Variation ID: 864084). Experimental studies and prediction algorithms are not available or were not evaluated, and the functional significance of this variant is currently unknown. In summary, the available evidence is currently insufficient to determine the role of this variant in disease. Therefore, it has been classified as a Variant of Uncertain Significance.

NM_016122.3(CEP83):c.1437_1438delinsAT (p.Ile480Phe)

Gene: CEP83 (centrosomal protein 83; minus strand). Cytogenetic location: 12q22.
Variant type: Indel.
Coding change: c.1437_1438delinsAT on transcript NM_016122.3 (MANE Select); coding-DNA positions 1437 to 1438, GA replaced by AT.
Protein change: p.Ile480Phe; replaces isoleucine 480 with phenylalanine.
Molecular consequence: missense variant. On other transcripts: non-coding transcript variant (2).
Genome position (GRCh38, 1-based): chr12:94,333,621-94,333,622, TC replaced by AT on the plus strand (GA replaced by AT on the coding strand, the reverse complement: CEP83 is on the minus strand). VCF-style: chr12-94333621-TC-AT. GRCh37 (hg19) VCF-style: chr12-94727397-TC-AT.
Other names: c.1437_1438delinsAT, p.Ile480Phe (NM_001042399.2, NM_001346457.2, NM_001368037.1 and 1 more transcripts); c.1125_1126delinsAT, p.Ile376Phe (NM_001346458.2, NM_001346459.2, NM_001368039.1 and 1 more transcripts); c.1212_1213delinsAT, p.Ile405Phe (NM_001368041.1); short protein forms I405F, I376F, I480F.
Identifiers: ClinVar variation 864084 (VCV000864084.8), dbSNP rs2059330819, ClinGen allele CA916083329.